The following is an entry in ClinVar:

ClinVar aggregate classification (germline): Conflicting classifications of pathogenicity. Review status: criteria provided, conflicting classifications (1 of 4 stars). 2 submissions from 2 submitters: Uncertain significance (1); Likely benign (1). Last evaluated 2026-01-19.

Allele frequency attached by ClinVar (database versions not stated): ExAC 0.00011; gnomAD 0.00011 and 0.00013; gnomAD exomes 0.00012; TOPMed 0.00013; ESP Exome Variant Server 0.00015; 1000 Genomes Project 30x 0.00016; 1000 Genomes Project 0.00020.

Submissions (2):

Labcorp Genetics (formerly Invitae), Labcorp
Classification: Uncertain significance. Last evaluated: 2026-01-19. Review status: criteria provided, single submitter. Criteria: Invitae Variant Classification Sherloc (09022015). Collection method: clinical testing. Allele origin: germline.
Comment: This sequence change replaces arginine, which is basic and polar, with glutamine, which is neutral and polar, at codon 196 of the DNAJC17 protein (p.Arg196Gln). This variant is present in population databases (rs148284868, gnomAD 0.02%). This variant has not been reported in the literature in individuals affected with DNAJC17-related conditions. ClinVar contains an entry for this variant (Variation ID: 1361372). An algorithm developed to predict the effect of missense changes on protein structure and function outputs the following: PolyPhen-2: "Benign". The glutamine amino acid residue is found in multiple mammalian species, which suggests that this missense change does not adversely affect protein function. In summary, the available evidence is currently insufficient to determine the role of this variant in disease. Therefore, it has been classified as a Variant of Uncertain Significance.

Ambry Genetics
Classification: Likely benign. Last evaluated: 2021-08-10. Review status: criteria provided, single submitter. Criteria: Ambry Variant Classification Scheme 2023. Collection method: clinical testing. Allele origin: germline.

NM_018163.3(DNAJC17):c.587G>A (p.Arg196Gln)

Gene: DNAJC17 (DnaJ heat shock protein family (Hsp40) member C17; minus strand). Cytogenetic location: 15q15.1.
Variant type: single nucleotide variant.
Coding change: c.587G>A on transcript NM_018163.3 (MANE Select); coding-DNA position 587, G replaced by A.
Protein change: p.Arg196Gln; replaces arginine 196 with glutamine.
Molecular consequence: missense variant.
Genome position (GRCh38, 1-based): chr15:40,775,044, C>T on the plus strand (G>A on the coding strand, the complement: DNAJC17 is on the minus strand). VCF-style: chr15-40775044-C-T. GRCh37 (hg19) VCF-style: chr15-41067242-C-T.
Other names: c.587G>A (NM_018163.2); short protein forms R196Q.
Identifiers: ClinVar variation 1361372 (VCV001361372.7), dbSNP rs148284868, ClinGen allele CA7485087.